The following is an entry in ClinVar:

NM_001868.4(CPA1):c.674G>T (p.Gly225Val)

Gene: CPA1 (carboxypeptidase A1; plus strand). Cytogenetic location: 7q32.2.
Variant type: single nucleotide variant.
Coding change: c.674G>T on transcript NM_001868.4 (MANE Select); coding-DNA position 674, G replaced by T.
Protein change: p.Gly225Val; replaces glycine 225 with valine.
Molecular consequence: missense variant.
Genome position (GRCh38, 1-based): chr7:130,383,772, G>T. VCF-style: chr7-130383772-G-T. GRCh37 (hg19) VCF-style: chr7-130023613-G-T.
Other names: short protein forms G225V.
Identifiers: ClinVar variation 2625436 (VCV002625436.2), dbSNP rs2536008908, ClinGen allele CA369282820.

ClinVar aggregate classification (germline): Uncertain significance (1 of 4 stars; one submission).

Conditions:
Hereditary pancreatitis (PCTT). Also called: PRSS1-Related Hereditary Pancreatitis; Hereditary chronic pancreatitis. Identifiers: Orphanet 676, MedGen C0238339, MONDO:0008185, OMIM 167800.

Submission:

Ambry Genetics
Classification: Uncertain significance for Hereditary pancreatitis. Last evaluated: 2023-06-27. Review status: criteria provided, single submitter. Criteria: Ambry Variant Classification Scheme 2023. Collection method: clinical testing. Allele origin: germline.
Comment: The p.G225V variant (also known as c.674G>T), located in coding exon 6 of the CPA1 gene, results from a G to T substitution at nucleotide position 674. The glycine at codon 225 is replaced by valine, an amino acid with dissimilar properties. This amino acid position is conserved. In addition, this alteration is predicted to be deleterious by in silico analysis. Since supporting evidence is limited at this time, the clinical significance of this alteration remains unclear.